The following is an entry in ClinVar:

ClinVar aggregate classification (germline): Uncertain significance. Review status: criteria provided, multiple submitters, no conflicts (2 of 4 stars). 2 submissions from 2 submitters: Uncertain significance (2). Last evaluated 2025-11-11.

Conditions:
Immunodeficiency. Identifiers: MedGen C0021051, MONDO:0021094, HP:0002721.

Allele frequency attached by ClinVar (database versions not stated): TOPMed 0.00002.
gnomAD v4.1: 43 of 1,614,024 alleles (0.0027%); highest among the groups gnomAD compares: Middle Eastern, 0.033%; no homozygotes.

Submissions (2):

Labcorp Genetics (formerly Invitae), Labcorp
Classification: Uncertain significance for Immunodeficiency. Last evaluated: 2025-11-11. Review status: criteria provided, single submitter. Criteria: Invitae Variant Classification Sherloc (09022015). Collection method: clinical testing. Allele origin: germline.
Comment: This sequence change replaces threonine, which is neutral and polar, with methionine, which is neutral and non-polar, at codon 799 of the NFAT5 protein (p.Thr799Met). This variant is present in population databases (no rsID available, gnomAD 0.0009%). This variant has not been reported in the literature in individuals affected with NFAT5-related conditions. ClinVar contains an entry for this variant (Variation ID: 657084). An algorithm developed to predict the effect of missense changes on protein structure and function (PolyPhen-2) suggests that this variant is likely to be tolerated. In summary, the available evidence is currently insufficient to determine the role of this variant in disease. Therefore, it has been classified as a Variant of Uncertain Significance.

Ambry Genetics
Classification: Uncertain significance. Last evaluated: 2025-07-31. Review status: criteria provided, single submitter. Criteria: Ambry Variant Classification Scheme 2023. Collection method: clinical testing. Allele origin: germline.

NM_138713.4(NFAT5):c.2678C>T (p.Thr893Met)

Gene: NFAT5 (nuclear factor of activated T cells 5; plus strand). Cytogenetic location: 16q22.1.
Variant type: single nucleotide variant.
Coding change: c.2678C>T on transcript NM_138713.4 (MANE Select); coding-DNA position 2678, C replaced by T.
Protein change: p.Thr893Met; replaces threonine 893 with methionine.
Molecular consequence: missense variant.
Genome position (GRCh38, 1-based): chr16:69,692,503, C>T. VCF-style: chr16-69692503-C-T. GRCh37 (hg19) VCF-style: chr16-69726406-C-T.
Other names: c.2678C>T, p.Thr893Met (LRG_1332t1); c.2675C>T, p.Thr892Met (NM_001113178.3); c.2003C>T, p.Thr668Met (NM_001367709.1); c.2624C>T, p.Thr875Met (NM_006599.4); c.2396C>T, p.Thr799Met (NM_138714.4, NM_173214.3, NM_173215.3); c.2678C>T (NM_138713.3); short protein forms T892M, T875M, T893M, T668M, T799M.
Identifiers: ClinVar variation 657084 (VCV000657084.9), dbSNP rs149255851, ClinGen allele CA396510544.